The following is an entry in ClinVar:

NC_000012.12:g.121641240T>C

Gene: ORAI1 (ORAI calcium release-activated calcium modulator 1; plus strand). Cytogenetic location: 12q24.31.
Variant type: single nucleotide variant.
Genome position: GRCh38 VCF-style: chr12-121641240-T-C. GRCh37 (hg19) VCF-style: chr12-122079146-T-C.
Other names: c.503T>C, p.Met168Thr (NM_032790.4); short protein forms M168T.
Identifiers: ClinVar variation 1939943 (VCV001939943.5), dbSNP rs1893053742, ClinGen allele CA386983357.

ClinVar aggregate classification (germline): Uncertain significance (1 of 4 stars; one submission).

Conditions:
Combined immunodeficiency due to ORAI1 deficiency. Also called: IMMUNODEFICIENCY 9. Identifiers: Orphanet 169090, Orphanet 317428, MedGen C2748568, MONDO:0013007, OMIM 612782.
Myopathy, tubular aggregate, 2 (TAM2). Identifiers: MedGen C4014557, MONDO:0014383, OMIM 615883.

Allele frequency attached by ClinVar (database versions not stated): TOPMed below 0.00001; gnomAD 0.00001.

Submission:

Labcorp Genetics (formerly Invitae), Labcorp
Classification: Uncertain significance for Myopathy, tubular aggregate, 2; Combined immunodeficiency due to ORAI1 deficiency. Last evaluated: 2022-06-25. Review status: criteria provided, single submitter. Criteria: Invitae Variant Classification Sherloc (09022015). Collection method: clinical testing. Allele origin: germline.
Comment: In summary, the available evidence is currently insufficient to determine the role of this variant in disease. Therefore, it has been classified as a Variant of Uncertain Significance. Experimental studies and prediction algorithms are not available or were not evaluated, and the functional significance of this variant is currently unknown. This variant has not been reported in the literature in individuals affected with ORAI1-related conditions. This variant is not present in population databases (gnomAD no frequency). This sequence change replaces methionine, which is neutral and non-polar, with threonine, which is neutral and polar, at codon 168 of the ORAI1 protein (p.Met168Thr).